The following is an entry in ClinVar:

ClinVar aggregate classification (germline): Pathogenic (1 of 4 stars; one submission).

Submission:

Labcorp Genetics (formerly Invitae), Labcorp
Classification: Pathogenic. Last evaluated: 2023-02-07. Review status: criteria provided, single submitter. Criteria: Invitae Variant Classification Sherloc (09022015). Collection method: clinical testing. Allele origin: germline.
Comment: This variant disrupts a region of the FKBP10 protein in which other variant(s) (p.Gln558*) have been determined to be pathogenic (PMID: 29499418). This suggests that this is a clinically significant region of the protein, and that variants that disrupt it are likely to be disease-causing. This variant has not been reported in the literature in individuals affected with FKBP10-related conditions. This variant is not present in population databases (gnomAD no frequency). This sequence change creates a premature translational stop signal (p.Pro543Leufs*5) in the FKBP10 gene. While this is not anticipated to result in nonsense mediated decay, it is expected to disrupt the last 40 amino acid(s) of the FKBP10 protein. For these reasons, this variant has been classified as Pathogenic.

Literature cited by the submitters: PubMed 29499418.

NM_021939.4(FKBP10):c.1628del (p.Pro543fs)

Gene: FKBP10 (FKBP prolyl isomerase 10; plus strand). Cytogenetic location: 17q21.2.
Variant type: Deletion.
Coding change: c.1628del on transcript NM_021939.4 (MANE Select); coding-DNA position 1628, one base deleted (C; older notation c.1628delC).
Protein change: p.Pro543fs; shifts the reading frame from proline 543.
Molecular consequence: frameshift variant.
Genome position (GRCh38, 1-based): chr17:41,822,287, C deleted; the last of 3 consecutive C bases (chr17:41,822,285-41,822,287); deleting any one gives the same sequence. VCF-style (leftmost placement, unchanged base first): chr17-41822284-AC-A. GRCh37 (hg19) VCF-style: chr17-39978536-AC-A.
Other names: short protein forms P543fs.
Identifiers: ClinVar variation 3002030 (VCV003002030.3), dbSNP rs2544446810, ClinGen allele CA500030030.
Genomic context (GRCh38, chr17:41,822,284, plus strand): 5'-TCTCCACCTTCATCAAGGCTCAAGTGAGTGAGGGCAAAGGACGCCTCATGCCTGGGCAGG[AC>A]CCTGAGAAAACCATAGGAGACATGTTCCAGAACCAGGACCGCAACCAGGACGGCAAGATC-3'